The following is an entry in ClinVar:

ClinVar aggregate classification (germline): Uncertain significance (1 of 4 stars; one submission).

Submission:

Labcorp Genetics (formerly Invitae), Labcorp
Classification: Uncertain significance. Last evaluated: 2021-07-12. Review status: criteria provided, single submitter. Criteria: Invitae Variant Classification Sherloc (09022015). Collection method: clinical testing. Allele origin: germline.
Comment: This sequence change replaces valine with methionine at codon 577 of the GRM6 protein (p.Val577Met). The valine residue is moderately conserved and there is a small physicochemical difference between valine and methionine. This variant is not present in population databases (ExAC no frequency). This variant has not been reported in the literature in individuals affected with GRM6-related conditions. Advanced modeling of protein sequence and biophysical properties (such as structural, functional, and spatial information, amino acid conservation, physicochemical variation, residue mobility, and thermodynamic stability) performed at Invitae indicates that this missense variant is not expected to disrupt GRM6 protein function. In summary, the available evidence is currently insufficient to determine the role of this variant in disease. Therefore, it has been classified as a Variant of Uncertain Significance.

NM_000843.4(GRM6):c.1729G>A (p.Val577Met)

Genes: GRM6 (glutamate metabotropic receptor 6; minus strand), ZNF454 (zinc finger protein 454; plus strand). Cytogenetic location: 5q35.3.
Variant type: single nucleotide variant.
Coding change: c.1729G>A on transcript NM_000843.4 (MANE Select); coding-DNA position 1729, G replaced by A.
Protein change: p.Val577Met; replaces valine 577 with methionine.
Molecular consequence: missense variant.
Genome position (GRCh38, 1-based): chr5:178,986,525, C>T on the plus strand (G>A on the coding strand, the complement: GRM6 is on the minus strand). VCF-style: chr5-178986525-C-T. GRCh37 (hg19) VCF-style: chr5-178413526-C-T.
Other names: short protein forms V577M.
Identifiers: ClinVar variation 1504642 (VCV001504642.8), dbSNP rs2113328942, ClinGen allele CA362427464.